The following is an entry in ClinVar:

ClinVar aggregate classification (germline): Benign/Likely benign. Review status: criteria provided, multiple submitters, no conflicts (2 of 4 stars). 3 submissions from 3 submitters: Benign (1); Likely benign (2). Last evaluated 2025-12-29.

Conditions:
Birt-Hogg-Dube syndrome 1 (BHD1). Also called: FIBROFOLLICULOMAS WITH TRICHODISCOMAS AND ACROCHORDONS. Identifiers: Orphanet 122, MedGen CN375946, MONDO:0800445, OMIM 135150.
Birt-Hogg-Dube syndrome. Also called: Birt Hogg Dubé syndrome. Identifiers: Orphanet 122, MedGen C0346010, MONDO:0800444.

Submissions (3):

Center for Genomic Medicine, Rigshospitalet, Copenhagen University Hospital
Classification: Likely benign. Last evaluated: 2025-12-29. Review status: criteria provided, single submitter. Criteria: ACMG Guidelines, 2015. Collection method: clinical testing. Allele origin: germline.

Labcorp Genetics (formerly Invitae), Labcorp
Classification: Likely benign for Birt-Hogg-Dube syndrome. Last evaluated: 2025-12-10. Review status: criteria provided, single submitter. Criteria: Invitae Variant Classification Sherloc (09022015). Collection method: clinical testing. Allele origin: germline.

Myriad Genetics, Inc.
Classification: Benign for Birt-Hogg-Dube syndrome 1. Last evaluated: 2024-10-25. Review status: criteria provided, single submitter. Criteria: Myriad Autosomal Dominant, Autosomal Recessive and X-Linked Classification Criteria (2023). Collection method: clinical testing. Allele origin: unknown.
Comment: This variant is considered benign. This variant is intronic and is not expected to impact mRNA splicing.

NM_144997.7(FLCN):c.1433-25_1433-9dup

Gene: FLCN (folliculin; minus strand). Cytogenetic location: 17p11.2.
Variant type: Duplication.
Coding change: c.1433-25_1433-9dup on transcript NM_144997.7 (MANE Select); 25 bases into the intron before coding-DNA position 1433 through 9 bases into the intron before coding-DNA position 1433, 17 bases duplicated (GCTCTGCCCCTGCCCTT).
Molecular consequence: intron variant.
Genome position (GRCh38, 1-based): chr17:17,215,099-17,215,115, AAGGGCAGGGGCAGAGC duplicated on the plus strand (GCTCTGCCCCTGCCCTT on the coding strand, the reverse complement: FLCN is on the minus strand); duplicating any 17 consecutive bases within chr17:17,215,099-17,215,124 gives the same sequence; the c. name uses the placement nearest the transcript's 3' end. VCF-style (leftmost placement, unchanged base first): chr17-17215098-G-GAAGGGCAGGGGCAGAGC. GRCh37 (hg19) VCF-style: chr17-17118412-G-GAAGGGCAGGGGCAGAGC.
Other names: c.1433-25_1433-9dup (LRG_325t1, NM_001353231.2, NM_001353230.2); c.1487-25_1487-9dup (NM_001353229.2); c.1433-25_1433-9dupGCTCTGCCCCTGCCCTT (NM_144997.5).
Identifiers: ClinVar variation 415619 (VCV000415619.13), dbSNP rs778841914, ClinGen allele CA8415963.